The following is an entry in ClinVar:

NM_006371.5(CRTAP):c.665G>A (p.Trp222Ter)

Gene: CRTAP (cartilage associated protein; plus strand). Cytogenetic location: 3p22.3.
Variant type: single nucleotide variant.
Coding change: c.665G>A on transcript NM_006371.5 (MANE Select); coding-DNA position 665, G replaced by A.
Protein change: p.Trp222Ter; replaces tryptophan 222 with a stop codon.
Molecular consequence: nonsense.
Genome position (GRCh38, 1-based): chr3:33,124,451, G>A. VCF-style: chr3-33124451-G-A. GRCh37 (hg19) VCF-style: chr3-33165943-G-A.
Other names: c.665G>A, p.Trp222Ter (NM_001393363.1, NM_001393364.1); c.515G>A, p.Trp172Ter (NM_001393365.1); short protein forms W172*, W222*.
Identifiers: ClinVar variation 4986982 (VCV004986982.1).

ClinVar aggregate classification (germline): Likely pathogenic (1 of 4 stars; one submission).

Conditions:
CRTAP-related disorder. Also called: CRTAP-related condition.

Submission:

PreventionGenetics, part of Exact Sciences
Classification: Likely pathogenic for CRTAP-related condition. Last evaluated: 2025-11-12. Review status: criteria provided, single submitter. Criteria: ACMG Guidelines, 2015. Collection method: clinical testing. Allele origin: germline.
Comment: The CRTAP c.665G>A variant is predicted to result in premature protein termination (p.Trp222*). To our knowledge, this variant has not been reported in the literature or in a large population database (gnomAD), indicating this variant is rare. Nonsense variants in CRTAP are expected to be pathogenic. This variant is interpreted as likely pathogenic.